The following is an entry in ClinVar:

NM_182961.4(SYNE1):c.6031C>T (p.Arg2011Cys)

Gene: SYNE1 (spectrin repeat containing nuclear envelope protein 1; minus strand). Cytogenetic location: 6q25.2.
Variant type: single nucleotide variant.
Coding change: c.6031C>T on transcript NM_182961.4 (MANE Select); coding-DNA position 6031, C replaced by T.
Protein change: p.Arg2011Cys; replaces arginine 2011 with cysteine.
Molecular consequence: missense variant.
Genome position (GRCh38, 1-based): chr6:152,416,406, G>A on the plus strand (C>T on the coding strand, the complement: SYNE1 is on the minus strand). VCF-style: chr6-152416406-G-A. GRCh37 (hg19) VCF-style: chr6-152737541-G-A.
Other names: c.6052C>T, p.Arg2018Cys (NM_033071.5); short protein forms R2011C, R2018C.
Identifiers: ClinVar variation 1504424 (VCV001504424.7), dbSNP rs767563434, ClinGen allele CA4058184.
Genomic context (GRCh38, chr6:152,416,406, plus strand): 5'-AAAAGAAAAGAGACAAGTGGCCGTGACAGTTTCCTATTTACCTCTGCTGAAGAGCTTGGC[G>A]GGTAGGTTCTTTCAATCGCTCTTTGTCAGTCCTTTCTTCAATGTCCTCAATGCTTTTCAG-3'
Protein context (NP_892006.3, residues 2001-2021): TDKERLKEPT[Arg2011Cys]QALQQRLRVF

ClinVar aggregate classification (germline): Uncertain significance. Review status: criteria provided, multiple submitters, no conflicts (2 of 4 stars). 2 submissions from 2 submitters: Uncertain significance (2). Last evaluated 2024-01-03.

Conditions:
Autosomal recessive ataxia, Beauce type. Also called: SYNE1-Related Autosomal Recessive Cerebellar Ataxia; Spinocerebellar ataxia, autosomal recessive 8; ATAXIA, RECESSIVE, OF BEAUCE; SYNE1 Deficiency. Identifiers: Orphanet 88644, MedGen C1853116, MONDO:0012549, OMIM 610743.
Emery-Dreifuss muscular dystrophy 4, autosomal dominant (EDMD4). Also called: EMERY-DREIFUSS MUSCULAR DYSTROPHY 4 WITH VARIABLE FEATURES. Identifiers: Orphanet 261, MedGen C2751807, MONDO:0013071, OMIM 612998.

Allele frequency attached by ClinVar (database versions not stated): gnomAD exomes 0.00001; ExAC 0.00002.
gnomAD v4.1: 9 of 1,614,070 alleles (0.00056%); highest among the groups gnomAD compares: South Asian, 0.0011%; no homozygotes.

Submissions (2):

Women's Health and Genetics/Laboratory Corporation of America, LabCorp
Classification: Uncertain significance. Last evaluated: 2024-01-03. Review status: criteria provided, single submitter. Criteria: LabCorp Variant Classification Summary - May 2015. Collection method: clinical testing. Allele origin: germline.
Comment: Variant summary: SYNE1 c.6052C>T (p.Arg2018Cys) results in a non-conservative amino acid change in the encoded protein sequence. Four of five in-silico tools predict a benign effect of the variant on protein function. The variant allele was found at a frequency of 1.2e-05 in 251294 control chromosomes (gnomAD). The available data on variant occurrences in the general population are insufficient to allow any conclusion about variant significance. c.6052C>T has been reported in the literature in at least one individual with autism spectrum disorder (e.g., Tuncay_2022). This report does not provide unequivocal conclusions about association of the variant with SYNE1-Related Disorders. To our knowledge, no experimental evidence demonstrating an impact on protein function has been reported. The following publication was ascertained in the context of this evaluation (PMID: 35190550). One submitter has reported clinical-significance assessments for this variant to ClinVar after 2014 and has classified the variant as uncertain significance. Based on the evidence outlined above, the variant was classified as uncertain significance.

Labcorp Genetics (formerly Invitae), Labcorp
Classification: Uncertain significance for Emery-Dreifuss muscular dystrophy 4, autosomal dominant; Autosomal recessive ataxia, Beauce type. Last evaluated: 2022-03-18. Review status: criteria provided, single submitter. Criteria: Invitae Variant Classification Sherloc (09022015). Collection method: clinical testing. Allele origin: germline.
Comment: This sequence change replaces arginine, which is basic and polar, with cysteine, which is neutral and slightly polar, at codon 2018 of the SYNE1 protein (p.Arg2018Cys). This variant is present in population databases (rs767563434, gnomAD 0.003%). This variant has not been reported in the literature in individuals affected with SYNE1-related conditions. Algorithms developed to predict the effect of missense changes on protein structure and function are either unavailable or do not agree on the potential impact of this missense change (SIFT: "Deleterious"; PolyPhen-2: "Possibly Damaging"; Align-GVGD: "Class C15"). In summary, the available evidence is currently insufficient to determine the role of this variant in disease. Therefore, it has been classified as a Variant of Uncertain Significance.

Literature cited by the submitters: PubMed 35190550 (cited by Women's Health and Genetics/Laboratory Corporation of America, LabCorp).